The following is an entry in ClinVar:

NM_002048.3(GAS1):c.652C>T (p.Leu218=)

Gene: GAS1 (growth arrest specific 1; minus strand). Cytogenetic location: 9q21.33.
Variant type: single nucleotide variant.
Coding change: c.652C>T on transcript NM_002048.3 (MANE Select); coding-DNA position 652, C replaced by T.
Protein change: p.Leu218=; no amino-acid change (leucine 218 retained).
Molecular consequence: synonymous variant.
Genome position (GRCh38, 1-based): chr9:86,946,128, G>A on the plus strand (C>T on the coding strand, the complement: GAS1 is on the minus strand). VCF-style: chr9-86946128-G-A. GRCh37 (hg19) VCF-style: chr9-89561043-G-A.
Identifiers: ClinVar variation 763281 (VCV000763281.10), dbSNP rs201726102, ClinGen allele CA5109418.
Genomic context (GRCh38, chr9:86,946,128, plus strand): 5'-TCTCCTTGACCGACTCGCAGATGGGCCGCTCGAGGCCGTCGCACACGCAGTCGTTGAGCA[G>A]CGCCGCCTTGGGCATAGCCAGCATGTCCTCAATGACGGTGCGGCATTCGTCCGTGCAGCG-3'
Protein context (NP_002039.2, residues 208-228): EDMLAMPKAA[Leu218=]LNDCVCDGLE

ClinVar aggregate classification (germline): Likely benign. Review status: criteria provided, single submitter (1 of 4 stars). 2 submissions from 2 submitters: Likely benign (1). 1 of the submissions does not count toward it. Last evaluated 2021-06-15.

Conditions:
GAS1-related disorder. Also called: GAS1-related condition.

Allele frequency attached by ClinVar (database versions not stated): ESP Exome Variant Server 0.00008; gnomAD 0.00022; TOPMed 0.00024; 1000 Genomes Project 0.00040; 1000 Genomes Project 30x 0.00062.

Submissions (2):

Labcorp Genetics (formerly Invitae), Labcorp
Classification: Likely benign. Last evaluated: 2021-06-15. Review status: criteria provided, single submitter. Criteria: Invitae Variant Classification Sherloc (09022015). Collection method: clinical testing. Allele origin: germline.

PreventionGenetics, part of Exact Sciences
Classification: Likely benign for GAS1-related condition. Last evaluated: 2019-06-06. Review status: no assertion criteria provided. Collection method: clinical testing. Allele origin: germline. Not counted in ClinVar's aggregate classification.
Comment: This variant is classified as likely benign based on ACMG/AMP sequence variant interpretation guidelines (Richards et al. 2015 PMID: 25741868, with internal and published modifications).